The following is an entry in ClinVar:

ClinVar aggregate classification (germline): Conflicting classifications of pathogenicity. Review status: criteria provided, conflicting classifications (1 of 4 stars). 4 submissions from 4 submitters: Uncertain significance (1); Likely benign (3). Last evaluated 2024-06-04.

Conditions:
Autosomal dominant nonsyndromic hearing loss 5. Identifiers: Orphanet 90635, MedGen C1832932, MONDO:0010973, OMIM 600994.

Allele frequency attached by ClinVar (database versions not stated): gnomAD 0.00007; ESP Exome Variant Server 0.00008; TOPMed 0.00008; ExAC 0.00009; gnomAD exomes 0.00010.
gnomAD v4.1: 96 of 1,614,076 alleles (0.0059%); highest among the groups gnomAD compares: Admixed American, 0.012%; no homozygotes.

Submissions (4):

Blueprint Genetics
Classification: Likely benign. Last evaluated: 2024-06-04. Review status: criteria provided, single submitter. Criteria: ACMG Guidelines, 2015. Collection method: clinical testing. Allele origin: germline.

Labcorp Genetics (formerly Invitae), Labcorp
Classification: Likely benign. Last evaluated: 2023-08-09. Review status: criteria provided, single submitter. Criteria: Invitae Variant Classification Sherloc (09022015). Collection method: clinical testing. Allele origin: germline.

Laboratory for Molecular Medicine, Mass General Brigham Personalized Medicine
Classification: Likely benign. Last evaluated: 2018-12-14. Review status: criteria provided, single submitter. Criteria: LMM Criteria. Collection method: clinical testing. Allele origin: germline. Observed: 1 variant allele.
Comment: p.Leu393Leu in exon 08 of DFNA5: This variant is not expected to have clinical s ignificance because it does not alter an amino acid residue, is not located with in the splice consensus sequence, and has been identified in 8/66690 European ch romosomes by the Exome Aggregation Consortium (ExAC. org; dbSNP rs368035633).

Illumina Laboratory Services, Illumina
Classification: Uncertain significance for Autosomal dominant nonsyndromic hearing loss 5. Last evaluated: 2018-01-13. Review status: criteria provided, single submitter. Criteria: ICSL Variant Classification Criteria 13 December 2019. Collection method: clinical testing. Allele origin: germline.

NM_001127453.2(GSDME):c.1179C>T (p.Leu393=)

Gene: GSDME (gasdermin E; minus strand). Cytogenetic location: 7p15.3.
Variant type: single nucleotide variant.
Coding change: c.1179C>T on transcript NM_001127453.2 (MANE Select); coding-DNA position 1179, C replaced by T.
Protein change: p.Leu393=; no amino-acid change (leucine 393 retained).
Molecular consequence: synonymous variant.
Genome position (GRCh38, 1-based): chr7:24,706,188, G>A on the plus strand (C>T on the coding strand, the complement: GSDME is on the minus strand). VCF-style: chr7-24706188-G-A. GRCh37 (hg19) VCF-style: chr7-24745807-G-A.
Other names: c.687C>T, p.Leu229= (NM_001127454.2); c.1179C>T, p.Leu393= (NM_004403.3).
Identifiers: ClinVar variation 359841 (VCV000359841.17), dbSNP rs368035633, ClinGen allele CA4191391.
Genomic context (GRCh38, chr7:24,706,188, plus strand): 5'-AGGCAAAGCATTTTAAAGCAGCAGCAGCCATTTCTTTCATTTTCTTTTCTCCTTACCTGC[G>A]AGGGCACTGACCAAGAAGTAGGCTGTCATAAACAGCTGCTTGCTGCCTGCATCCTCGGGG-3'
Protein context (NP_001120925.1, residues 383-403): FMTAYFLVSA[Leu393=]AEMPDSAAAL